The following is an entry in ClinVar:

NM_004281.4(BAG3):c.169G>A (p.Glu57Lys)

Gene: BAG3 (BAG cochaperone 3; plus strand). Cytogenetic location: 10q26.11.
Variant type: single nucleotide variant.
Coding change: c.169G>A on transcript NM_004281.4 (MANE Select); coding-DNA position 169, G replaced by A.
Protein change: p.Glu57Lys; replaces glutamic acid 57 with lysine.
Molecular consequence: missense variant.
Genome position (GRCh38, 1-based): chr10:119,651,844, G>A. VCF-style: chr10-119651844-G-A. GRCh37 (hg19) VCF-style: chr10-121411356-G-A.
Other names: short protein forms E57K.
Identifiers: ClinVar variation 4786798 (VCV004786798.1).
Genomic context (GRCh38, chr10:119,651,844, plus strand): 5'-CCCTTCTTCGTGGACCACAACAGCCGCACCACTACGTGGAACGACCCGCGCGTGCCCTCT[G>A]AGGGCCCCAAGGTGAGCCGGGCCCGCGGCCCGCCCTGGTCGGTGGCGCCACCTCGACGGC-3'
Protein context (NP_004272.2, residues 47-67): TTWNDPRVPS[Glu57Lys]GPKETPSSAN

ClinVar aggregate classification (germline): Uncertain significance (1 of 4 stars; one submission).

Conditions:
Dilated cardiomyopathy 1HH (CMD1HH). Identifiers: Orphanet 154, MedGen C3151293, MONDO:0013479, OMIM 613881.
Myofibrillar myopathy 6. Identifiers: Orphanet 199340, MedGen C2751831, MONDO:0013061, OMIM 612954.

gnomAD v4.1: 1 of 1,582,318 alleles (0.000063%); highest among the groups gnomAD compares: Non-Finnish European, 0.000086%; no homozygotes.

Submission:

Labcorp Genetics (formerly Invitae), Labcorp
Classification: Uncertain significance for Dilated cardiomyopathy 1HH; Myofibrillar myopathy 6. Last evaluated: 2025-12-01. Review status: criteria provided, single submitter. Criteria: Invitae Variant Classification Sherloc (09022015). Collection method: clinical testing. Allele origin: germline.
Comment: This sequence change replaces glutamic acid, which is acidic and polar, with lysine, which is basic and polar, at codon 57 of the BAG3 protein (p.Glu57Lys). The frequency data for this variant in the population databases is considered unreliable, as metrics indicate poor data quality at this position in the gnomAD database. This variant has not been reported in the literature in individuals affected with BAG3-related conditions. An algorithm developed to predict the effect of missense changes on protein structure and function (PolyPhen-2) suggests that this variant is likely to be tolerated. In summary, the available evidence is currently insufficient to determine the role of this variant in disease. Therefore, it has been classified as a Variant of Uncertain Significance.